The following is an entry in ClinVar:

NM_001077653.2(TBX20):c.322G>T (p.Glu108Ter)

Gene: TBX20 (T-box transcription factor 20; minus strand). Cytogenetic location: 7p14.2.
Variant type: single nucleotide variant.
Coding change: c.322G>T on transcript NM_001077653.2 (MANE Select); coding-DNA position 322, G replaced by T.
Protein change: p.Glu108Ter; replaces glutamic acid 108 with a stop codon.
Molecular consequence: nonsense.
Genome position (GRCh38, 1-based): chr7:35,250,009, C>A on the plus strand (G>T on the coding strand, the complement: TBX20 is on the minus strand). VCF-style: chr7-35250009-C-A. GRCh37 (hg19) VCF-style: chr7-35289621-C-A.
Other names: c.322G>T, p.Glu108Ter (NM_001166220.1); short protein forms E108*.
Identifiers: ClinVar variation 4730283 (VCV004730283.2).

ClinVar aggregate classification (germline): Pathogenic. Review status: criteria provided, multiple submitters, no conflicts (2 of 4 stars). 2 submissions from 2 submitters: Pathogenic (2). Last evaluated 2026-06-02.

Conditions:
Atrial septal defect (ASD). Also called: Interatrial communication; Defect in the atrial septum. Identifiers: Orphanet 1478, MedGen C0018817, MONDO:0006664, HP:0001631.

Submissions (2):

Women's Health and Genetics/Laboratory Corporation of America, LabCorp
Classification: Pathogenic for Atrial septal defect. Last evaluated: 2026-06-02. Review status: criteria provided, single submitter. Criteria: LabCorp Variant Classification Summary - May 2015. Collection method: clinical testing. Allele origin: germline.
Comment: Variant summary: TBX20 c.322G>T (p.Glu108X) results in a premature termination codon, predicted to cause a truncation of the encoded protein or absence of the protein due to nonsense mediated decay, which are commonly known mechanisms for disease. The variant was absent in 251206 control chromosomes. To our knowledge, no occurrence of c.322G>T in individuals affected with TBX20-related conditions and no experimental evidence demonstrating its impact on protein function have been reported. ClinVar contains an entry for this variant (Variation ID: 4730283). Based on the evidence outlined above, the variant was classified as pathogenic.

Labcorp Genetics (formerly Invitae), Labcorp
Classification: Pathogenic. Last evaluated: 2025-11-01. Review status: criteria provided, single submitter. Criteria: Invitae Variant Classification Sherloc (09022015). Collection method: clinical testing. Allele origin: germline.
Comment: This sequence change creates a premature translational stop signal (p.Glu108*) in the TBX20 gene. It is expected to result in an absent or disrupted protein product. Loss-of-function variants in TBX20 are known to be pathogenic (PMID: 15901664, 25625280, 26118961, 27510170). This variant is not present in population databases (gnomAD no frequency). This variant has not been reported in the literature in individuals affected with TBX20-related conditions. For these reasons, this variant has been classified as Pathogenic.

Literature cited by the submitters: PubMed 15901664 (cited by Labcorp Genetics (formerly Invitae), Labcorp); PubMed 25625280 (cited by Labcorp Genetics (formerly Invitae), Labcorp); PubMed 26118961 (cited by Labcorp Genetics (formerly Invitae), Labcorp); PubMed 27510170 (cited by Labcorp Genetics (formerly Invitae), Labcorp).